The following is an entry in ClinVar:

NM_000051.4(ATM):c.2922-8T>A

Gene: ATM (ATM serine/threonine kinase; plus strand). Cytogenetic location: 11q22.3.
Variant type: single nucleotide variant.
Coding change: c.2922-8T>A on transcript NM_000051.4 (MANE Select); 8 bases into the intron before coding-DNA position 2922, T replaced by A.
Molecular consequence: intron variant.
Genome position (GRCh38, 1-based): chr11:108,271,243, T>A. VCF-style: chr11-108271243-T-A. GRCh37 (hg19) VCF-style: chr11-108141970-T-A.
Other names: c.2922-8T>A (NM_001351834.2).
Identifiers: ClinVar variation 434431 (VCV000434431.24), dbSNP rs545892367, ClinGen allele CA645372903.

ClinVar aggregate classification (germline): Conflicting classifications of pathogenicity. Review status: criteria provided, conflicting classifications (1 of 4 stars). 5 submissions from 5 submitters: Uncertain significance (2); Likely benign (3). Last evaluated 2025-10-14.

Conditions:
Hereditary cancer-predisposing syndrome. Also called: Hereditary neoplastic syndrome; Tumor predisposition; Neoplastic Syndromes, Hereditary; Hereditary Cancer Syndrome. Identifiers: Orphanet 140162, MedGen C0027672, MeSH D009386, MONDO:0015356.
Ataxia-telangiectasia syndrome (AT). Also called: Cerebello-oculocutaneous telangiectasia; Immunodeficiency with ataxia telangiectasia; Ataxia-telangiectasia; LOUIS-BAR SYNDROME; Ataxia-telangiectasia, complementation group E; Ataxia telangiectasia (A-T). Identifiers: Orphanet 100, MedGen C0004135, MONDO:0008840, OMIM 208900.

Allele frequency attached by ClinVar (database versions not stated): gnomAD 0.00001; TOPMed 0.00001.
gnomAD v4.1: 2 of 1,612,860 alleles (0.00012%); highest among the groups gnomAD compares: Admixed American, 0.0017%; no homozygotes.

Submissions (5):

Labcorp Genetics (formerly Invitae), Labcorp
Classification: Likely benign for Ataxia-telangiectasia syndrome. Last evaluated: 2025-10-14. Review status: criteria provided, single submitter. Criteria: Invitae Variant Classification Sherloc (09022015). Collection method: clinical testing. Allele origin: germline.

Color Diagnostics, LLC DBA Color Health
Classification: Uncertain significance for Hereditary cancer-predisposing syndrome. Last evaluated: 2022-05-23. Review status: criteria provided, single submitter. Criteria: ACMG Guidelines, 2015. Collection method: clinical testing. Allele origin: germline.
Comment: This variant causes a T to A nucleotide substitution at the -8 position of intron 19 of the ATM gene. To our knowledge, functional studies have not been reported for this variant. This variant has not been reported in individuals affected with hereditary cancer in the literature. This variant has not been identified in the general population by the Genome Aggregation Database (gnomAD). The available evidence is insufficient to determine the role of this variant in disease conclusively. Therefore, this variant is classified as a Variant of Uncertain Significance.

Mendelics
Classification: Likely benign for Ataxia-telangiectasia syndrome. Last evaluated: 2019-05-28. Review status: criteria provided, single submitter. Criteria: Mendelics Assertion Criteria 2017. Collection method: clinical testing. Allele origin: unknown.

Eurofins Ntd Llc (ga)
Classification: Uncertain significance. Last evaluated: 2017-02-06. Review status: criteria provided, single submitter. Criteria: EGL Classification Definitions 2015. Collection method: clinical testing. Allele origin: germline. Observed: 1 variant allele, 1 heterozygote.

Genetic Services Laboratory, University of Chicago
Classification: Likely benign. Last evaluated: 2016-08-24. Review status: criteria provided, single submitter. Criteria: ACMG Guidelines, 2015. Collection method: clinical testing. Allele origin: germline. Affected: no.